The following is an entry in ClinVar:

NM_001379200.1(TBX1):c.532C>T (p.Arg178Cys)

Gene: TBX1 (T-box transcription factor 1; plus strand). Cytogenetic location: 22q11.21.
Variant type: single nucleotide variant.
Coding change: c.532C>T on transcript NM_001379200.1 (MANE Select); coding-DNA position 532, C replaced by T.
Protein change: p.Arg178Cys; replaces arginine 178 with cysteine.
Molecular consequence: missense variant.
Genome position (GRCh38, 1-based): chr22:19,763,335, C>T. VCF-style: chr22-19763335-C-T. GRCh37 (hg19) VCF-style: chr22-19750858-C-T.
Other names: c.505C>T, p.Arg169Cys (NM_005992.1, NM_080646.2, NM_080647.1); short protein forms R169C, R178C.
Identifiers: ClinVar variation 1745087 (VCV001745087.2), dbSNP rs1294927055, ClinGen allele CA410682416.

ClinVar aggregate classification (germline): Uncertain significance (1 of 4 stars; one submission).

Conditions:
Cardiovascular phenotype. Identifiers: MedGen CN230736.

Allele frequency attached by ClinVar (database versions not stated): gnomAD exomes below 0.00001.
gnomAD v4.1: 6 of 1,614,008 alleles (0.00037%); highest among the groups gnomAD compares: Non-Finnish European, 0.00042%; no homozygotes.

Submission:

Ambry Genetics
Classification: Uncertain significance for Cardiovascular phenotype. Last evaluated: 2021-06-12. Review status: criteria provided, single submitter. Criteria: Ambry Variant Classification Scheme 2023. Collection method: clinical testing. Allele origin: germline.
Comment: The p.R169C variant (also known as c.505C>T), located in coding exon 3 of the TBX1 gene, results from a C to T substitution at nucleotide position 505. The arginine at codon 169 is replaced by cysteine, an amino acid with highly dissimilar properties. This amino acid position is conserved. In addition, this alteration is predicted to be deleterious by in silico analysis. Since supporting evidence is limited at this time, the clinical significance of this alteration remains unclear.